The following is an entry in ClinVar:

ClinVar aggregate classification (germline): Uncertain significance. Review status: reviewed by expert panel (3 of 4 stars). 3 submissions from 3 submitters: Uncertain significance (1). 2 of the submissions do not count toward it. Last evaluated 2024-11-13.

Conditions:
Hereditary thrombocytopenia and hematologic cancer predisposition syndrome. Identifiers: Orphanet 71290, MedGen CN281654, MONDO:0011071.
Hereditary thrombocytopenia and hematological cancer predisposition syndrome associated with RUNX1. Also called: Familial Platelet Disorder with Propensity to Acute Myelogenous Leukemia; Familial thrombocytopenia with propensity to acute myelogenous leukemia; PLATELET DISORDER, ASPIRIN-LIKE; RUNX1 Familial Platelet Disorder with Associated Myeloid Malignancies. Identifiers: Orphanet 71290, MedGen C1832388, MeSH C563324, MONDO:0100083, OMIM 601399.
Inborn genetic diseases. Identifiers: MedGen C0950123, MeSH D030342.

Allele frequency attached by ClinVar (database versions not stated): TOPMed below 0.00001.
gnomAD v4.1: 2 of 1,555,514 alleles (0.00013%); highest among the groups gnomAD compares: Non-Finnish European, 0.00017%; no homozygotes.

Submissions (3):

ClinGen Myeloid Malignancy Variant Curation Expert Panel
Classification: Uncertain significance for Hereditary thrombocytopenia and hematologic cancer predisposition syndrome. Last evaluated: 2024-11-13. Review status: reviewed by expert panel. Criteria: ClinGen MyeloMalig ACMG Specifications v2. Collection method: curation. Allele origin: germline. Inheritance: Autosomal dominant inheritance.
Comment: NM_001754.5(RUNX1):c.1234G>A (p.Gly412Ser) is a missense variant which has a REVEL score < 0.50 (0.291) and a SpliceAI score ≤ 0.20 (0.0) (BP4). In summary, the clinical significance of this variant is uncertain. ACMG/AMP criteria applied, as specified by the Myeloid Malignancy Variant Curation Expert Panel for RUNX1: BP4.

Ambry Genetics
Classification: Uncertain significance for Inborn genetic diseases. Last evaluated: 2025-12-09. Review status: criteria provided, single submitter. Criteria: Ambry Variant Classification Scheme 2023. Collection method: clinical testing. Allele origin: germline. Not counted in ClinVar's aggregate classification.
Comment: The p.G412S variant (also known as c.1234G>A), located in coding exon 8 of the RUNX1 gene, results from a G to A substitution at nucleotide position 1234. The glycine at codon 412 is replaced by serine, an amino acid with similar properties. This amino acid position is highly conserved in available vertebrate species. In addition, this alteration is predicted to be tolerated by in silico analysis. Based on the available evidence, the clinical significance of this variant remains unclear.

Labcorp Genetics (formerly Invitae), Labcorp
Classification: Uncertain significance for Hereditary thrombocytopenia and hematological cancer predisposition syndrome associated with RUNX1. Last evaluated: 2022-04-01. Review status: criteria provided, single submitter. Criteria: Invitae Variant Classification Sherloc (09022015). Collection method: clinical testing. Allele origin: germline. Not counted in ClinVar's aggregate classification.
Comment: In summary, the available evidence is currently insufficient to determine the role of this variant in disease. Therefore, it has been classified as a Variant of Uncertain Significance. Algorithms developed to predict the effect of missense changes on protein structure and function (SIFT, PolyPhen-2, Align-GVGD) all suggest that this variant is likely to be tolerated. This variant has not been reported in the literature in individuals affected with RUNX1-related conditions. This variant is not present in population databases (gnomAD no frequency). This sequence change replaces glycine, which is neutral and non-polar, with serine, which is neutral and polar, at codon 412 of the RUNX1 protein (p.Gly412Ser).

NM_001754.5(RUNX1):c.1234G>A (p.Gly412Ser)

Gene: RUNX1 (RUNX family transcription factor 1; minus strand). Cytogenetic location: 21q22.12.
Variant type: single nucleotide variant.
Coding change: c.1234G>A on transcript NM_001754.5 (MANE Select); coding-DNA position 1234, G replaced by A.
Protein change: p.Gly412Ser; replaces glycine 412 with serine.
Molecular consequence: missense variant.
Genome position (GRCh38, 1-based): chr21:34,792,344, C>T on the plus strand (G>A on the coding strand, the complement: RUNX1 is on the minus strand). VCF-style: chr21-34792344-C-T. GRCh37 (hg19) VCF-style: chr21-36164641-C-T.
Other names: NM_001754.5(RUNX1):c.1234G>A; p.Gly412Ser; c.1153G>A, p.Gly385Ser (NM_001001890.3); short protein forms G385S, G412S.
Identifiers: ClinVar variation 2419700 (VCV002419700.7), dbSNP rs1601332742, ClinGen allele CA410147721.